The following is an entry in ClinVar:

ClinVar aggregate classification (germline): Uncertain significance (1 of 4 stars; one submission).

gnomAD v4.1: 1 of 1,613,860 alleles (0.000062%); highest among the groups gnomAD compares: Non-Finnish European, 0.000085%; no homozygotes.

Submission:

Ambry Genetics
Classification: Uncertain significance. Last evaluated: 2026-09-03. Review status: criteria provided, single submitter. Criteria: Ambry Variant Classification Scheme 2023. Collection method: clinical testing. Allele origin: germline.
Comment: The p.H356R variant (also known as c.1067A>G), located in coding exon 6 of the GALNT12 gene, results from an A to G substitution at nucleotide position 1067. The histidine at codon 356 is replaced by arginine, an amino acid with highly similar properties. This amino acid position is conserved. In addition, this alteration is predicted to be deleterious by in silico analysis. Based on the available evidence, the clinical significance of this variant remains unclear.

NM_024642.5(GALNT12):c.1067A>G (p.His356Arg)

Gene: GALNT12 (polypeptide N-acetylgalactosaminyltransferase 12; plus strand). Cytogenetic location: 9q22.33.
Variant type: single nucleotide variant.
Coding change: c.1067A>G on transcript NM_024642.5 (MANE Select); coding-DNA position 1067, A replaced by G.
Protein change: p.His356Arg; replaces histidine 356 with arginine.
Molecular consequence: missense variant.
Genome position (GRCh38, 1-based): chr9:98,837,003, A>G. VCF-style: chr9-98837003-A-G. GRCh37 (hg19) VCF-style: chr9-101599285-A-G.
Other names: short protein forms H356R.
Identifiers: ClinVar variation 5022155 (VCV005022155.1).